The following is an entry in ClinVar:

ClinVar aggregate classification (germline): Uncertain significance (1 of 4 stars; one submission).

Conditions:
Tietz syndrome (TADS). Also called: TIETZ ALBINISM-DEAFNESS SYNDROME; HYPOPIGMENTATION/DEAFNESS OF TIETZ; ALBINISM-DEAFNESS OF TIETZ. Identifiers: Orphanet 42665, MedGen C0391816, MONDO:0007077, OMIM 103500.
Melanoma, cutaneous malignant, susceptibility to, 8. Also called: MELANOMA AND RENAL CELL CARCINOMA, SUSCEPTIBILITY TO; Cutaneous malignant melanoma 8. Identifiers: Orphanet 293822, MedGen C3152204, MONDO:0013759, OMIM 614456.
Waardenburg syndrome type 2A (WS2A). Also called: WAARDENBURG SYNDROME WITHOUT DYSTOPIA CANTHORUM. Identifiers: Orphanet 3440, MedGen C1860339, MONDO:0008671, OMIM 193510.

Submission:

Labcorp Genetics (formerly Invitae), Labcorp
Classification: Uncertain significance for Melanoma, cutaneous malignant, susceptibility to, 8; Waardenburg syndrome type 2A; Tietz syndrome. Last evaluated: 2025-03-04. Review status: criteria provided, single submitter. Criteria: Invitae Variant Classification Sherloc (09022015). Collection method: clinical testing. Allele origin: germline.
Comment: This sequence change replaces glutamine, which is neutral and polar, with glutamic acid, which is acidic and polar, at codon 258 of the MITF protein (p.Gln258Glu). This variant is not present in population databases (gnomAD no frequency). This variant has not been reported in the literature in individuals affected with MITF-related conditions. Invitae Evidence Modeling of protein sequence and biophysical properties (such as structural, functional, and spatial information, amino acid conservation, physicochemical variation, residue mobility, and thermodynamic stability) indicates that this missense variant is expected to disrupt MITF protein function with a positive predictive value of 80%. In summary, the available evidence is currently insufficient to determine the role of this variant in disease. Therefore, it has been classified as a Variant of Uncertain Significance.

NM_001354604.2(MITF):c.1093C>G (p.Gln365Glu)

Gene: MITF (melanocyte inducing transcription factor; plus strand). Cytogenetic location: 3p13.
Variant type: single nucleotide variant.
Coding change: c.1093C>G on transcript NM_001354604.2 (MANE Select); coding-DNA position 1093, C replaced by G.
Protein change: p.Gln365Glu; replaces glutamine 365 with glutamic acid.
Molecular consequence: missense variant.
Genome position (GRCh38, 1-based): chr3:69,959,334, C>G. VCF-style: chr3-69959334-C-G. GRCh37 (hg19) VCF-style: chr3-70008485-C-G.
Other names: c.772C>G, p.Gln258Glu (NM_000248.4); c.919C>G, p.Gln307Glu (NM_001184967.2, NM_001354608.2); c.1090C>G, p.Gln364Glu (NM_001354605.2); c.1072C>G, p.Gln358Glu (NM_001354606.2, NM_006722.3); c.1024C>G, p.Gln342Glu (NM_001354607.2); c.754C>G, p.Gln252Glu (NM_198158.3); c.1075C>G, p.Gln359Glu (NM_198159.3); c.1027C>G, p.Gln343Glu (NM_198177.3); and 1 more; short protein forms Q343E, Q359E, Q258E, Q358E, Q252E, Q342E, Q365E, Q196E.
Identifiers: ClinVar variation 4794178 (VCV004794178.1).
Genomic context (GRCh38, chr3:69,959,334, plus strand): 5'-GACATGCGCTGGAACAAGGGAACCATCTTAAAAGCATCCGTGGACTATATCCGAAAGTTG[C>G]AACGAGAACAGCAACGCGCAAAAGAACTTGAAAACCGACAGAAGAAACTGGAGCACGCCA-3'
Protein context (NP_001341533.1, residues 355-375): KASVDYIRKL[Gln365Glu]REQQRAKELE